The following is an entry in ClinVar:

NM_001352027.3(PHF21A):c.974G>A (p.Ser325Asn)

Gene: PHF21A (PHD finger protein 21A; minus strand). Cytogenetic location: 11p11.2.
Variant type: single nucleotide variant.
Coding change: c.974G>A on transcript NM_001352027.3 (MANE Select); coding-DNA position 974, G replaced by A.
Protein change: p.Ser325Asn; replaces serine 325 with asparagine.
Molecular consequence: missense variant. On other transcripts: non-coding transcript variant (2).
Genome position (GRCh38, 1-based): chr11:45,965,337, C>T on the plus strand (G>A on the coding strand, the complement: PHF21A is on the minus strand). VCF-style: chr11-45965337-C-T. GRCh37 (hg19) VCF-style: chr11-45986888-C-T.
Other names: c.971G>A, p.Ser324Asn (NM_001101802.3, NM_001352030.3, NM_001352031.3 and 1 more transcripts); c.974G>A, p.Ser325Asn (NM_001352025.3, NM_001352026.3, NM_001352028.1 and 2 more transcripts); c.971G>A (NM_001101802.1); short protein forms S324N, S325N.
Identifiers: ClinVar variation 3366550 (VCV003366550.2).

ClinVar aggregate classification (germline): Uncertain significance. Review status: criteria provided, multiple submitters, no conflicts (2 of 4 stars). 2 submissions from 2 submitters: Uncertain significance (2). Last evaluated 2025-01-27.

Conditions:
Inborn genetic diseases. Identifiers: MedGen C0950123, MeSH D030342.

Submissions (2):

Ambry Genetics
Classification: Uncertain significance for Inborn genetic diseases. Last evaluated: 2025-01-27. Review status: criteria provided, single submitter. Criteria: Ambry Variant Classification Scheme 2023. Collection method: clinical testing. Allele origin: germline.

Women's Health and Genetics/Laboratory Corporation of America, LabCorp
Classification: Uncertain significance. Last evaluated: 2024-08-01. Review status: criteria provided, single submitter. Criteria: LabCorp Variant Classification Summary - May 2015. Collection method: clinical testing. Allele origin: germline.
Comment: Variant summary: PHF21A c.971G>A (p.Ser324Asn) results in a conservative amino acid change in the encoded protein sequence. Three of five in-silico tools predict a benign effect of the variant on protein function. The frequency data for this variant in gnomAD is considered unreliable, as metrics indicate poor data quality at this position. To our knowledge, no occurrence of c.971G>A in individuals affected with Intellectual Developmental Disorder With Behavioral Abnormalities And Craniofacial Dysmorphism With Or Without Seizures and no experimental evidence demonstrating its impact on protein function have been reported. No submitters have cited clinical-significance assessments for this variant to ClinVar. Based on the evidence outlined above, the variant was classified as uncertain significance.